The following is an entry in ClinVar:

ClinVar aggregate classification (germline): Uncertain significance (1 of 4 stars; one submission).

Conditions:
LEPR-related disorder. Also called: LEPR-related condition; LEPR-related disorders.

gnomAD v4.1: 1 of 1,613,296 alleles (0.000062%); highest among the groups gnomAD compares: Admixed American, 0.0017%; no homozygotes.

Submission:

PreventionGenetics, part of Exact Sciences
Classification: Uncertain significance for LEPR-related condition. Last evaluated: 2026-06-24. Review status: criteria provided, single submitter. Criteria: ACMG Guidelines, 2015. Collection method: clinical testing. Allele origin: germline.
Comment: The LEPR c.2513G>T variant is predicted to result in the amino acid substitution p.Ser838Ile. This variant was observed in a cohort of individuals with obesity, and in vitro functional studies showed function similar to wild-type levels (Supplemental Data Set, Shah et al. 2023. PubMed ID: 36864747). This variant has not been reported in a large population database (gnomAD), indicating this variant is rare. At this time, the clinical significance of this variant is uncertain due to the absence of conclusive functional and genetic evidence.

NM_002303.6(LEPR):c.2513G>T (p.Ser838Ile)

Gene: LEPR (leptin receptor; plus strand). Cytogenetic location: 1p31.3.
Variant type: single nucleotide variant.
Coding change: c.2513G>T on transcript NM_002303.6 (MANE Select); coding-DNA position 2513, G replaced by T.
Protein change: p.Ser838Ile; replaces serine 838 with isoleucine.
Molecular consequence: missense variant.
Genome position (GRCh38, 1-based): chr1:65,621,374, G>T. VCF-style: chr1-65621374-G-T. GRCh37 (hg19) VCF-style: chr1-66087057-G-T.
Other names: c.2513G>T, p.Ser838Ile (NM_001003679.3, NM_001003680.3, NM_001198687.2 and 2 more transcripts); short protein forms S838I.
Identifiers: ClinVar variation 4977541 (VCV004977541.1).